The following is an entry in ClinVar:

ClinVar aggregate classification (germline): Uncertain significance (1 of 4 stars; one submission).

Submission:

Labcorp Genetics (formerly Invitae), Labcorp
Classification: Uncertain significance. Last evaluated: 2026-01-24. Review status: criteria provided, single submitter. Criteria: Invitae Variant Classification Sherloc (09022015). Collection method: clinical testing. Allele origin: germline.
Comment: This sequence change replaces aspartic acid, which is acidic and polar, with asparagine, which is neutral and polar, at codon 197 of the NLGN2 protein (p.Asp197Asn). This variant is not present in population databases (gnomAD no frequency). This missense change has been observed in individual(s) with NLGN2-related conditions (PMID: 33057194, 35982159). Invitae Evidence Modeling of protein sequence and biophysical properties (such as structural, functional, and spatial information, amino acid conservation, physicochemical variation, residue mobility, and thermodynamic stability) indicates that this missense variant is expected to disrupt NLGN2 protein function with a positive predictive value of 80%. In summary, the available evidence is currently insufficient to determine the role of this variant in disease. Therefore, it has been classified as a Variant of Uncertain Significance.

Literature cited by the submitters: PubMed 33057194; PubMed 35982159.

NM_020795.4(NLGN2):c.589G>A (p.Asp197Asn)

Gene: NLGN2 (neuroligin 2; plus strand). Cytogenetic location: 17p13.1.
Variant type: single nucleotide variant.
Coding change: c.589G>A on transcript NM_020795.4 (MANE Select); coding-DNA position 589, G replaced by A.
Protein change: p.Asp197Asn; replaces aspartic acid 197 with asparagine.
Molecular consequence: missense variant.
Genome position (GRCh38, 1-based): chr17:7,414,424, G>A. VCF-style: chr17-7414424-G-A. GRCh37 (hg19) VCF-style: chr17-7317743-G-A.
Other names: short protein forms D197N.
Identifiers: ClinVar variation 4739195 (VCV004739195.1).